The following is an entry in ClinVar:

ClinVar aggregate classification (germline): Pathogenic (1 of 4 stars; one submission).

Conditions:
Dilated cardiomyopathy 1M (CMD1M). Identifiers: Orphanet 154, MedGen C1843808, MONDO:0011840, OMIM 607482.
Hypertrophic cardiomyopathy 12. Identifiers: MedGen C2677491, MONDO:0012804, OMIM 612124.

Submission:

Labcorp Genetics (formerly Invitae), Labcorp
Classification: Pathogenic for Hypertrophic cardiomyopathy 12; Dilated cardiomyopathy 1M. Last evaluated: 2024-04-12. Review status: criteria provided, single submitter. Criteria: Invitae Variant Classification Sherloc (09022015). Collection method: clinical testing. Allele origin: germline.
Comment: This sequence change results in a frameshift in the CSRP3 gene (p.Val102Leufs*106). While this is not anticipated to result in nonsense mediated decay, it is expected to disrupt the last 93 amino acid(s) of the CSRP3 protein and extend the protein by 12 additional amino acid residues. This variant is not present in population databases (gnomAD no frequency). This variant has not been reported in the literature in individuals affected with CSRP3-related conditions. This variant disrupts a region of the CSRP3 protein in which other variant(s) (p.Cys150Tyr) have been determined to be pathogenic (PMID: 23396983, 25351510, 33035702; Invitae). This suggests that this is a clinically significant region of the protein, and that variants that disrupt it are likely to be disease-causing. For these reasons, this variant has been classified as Pathogenic.

Literature cited by the submitters: PubMed 23396983; PubMed 25351510; PubMed 33035702.

NM_003476.5(CSRP3):c.304del (p.Val102fs)

Gene: CSRP3 (cysteine and glycine rich protein 3; minus strand). Cytogenetic location: 11p15.1.
Variant type: Deletion.
Coding change: c.304del on transcript NM_003476.5 (MANE Select); coding-DNA position 304, one base deleted (G; older notation c.304delG).
Protein change: p.Val102fs; shifts the reading frame from valine 102.
Molecular consequence: frameshift variant.
Genome position (GRCh38, 1-based): chr11:19,186,326, C deleted on the plus strand (G on the coding strand, the reverse complement: CSRP3 is on the minus strand). VCF-style (leftmost placement, unchanged base first): chr11-19186325-AC-A. GRCh37 (hg19) VCF-style: chr11-19207872-AC-A.
Other names: c.135del, p.Gln45fs (NM_001369404.1); short protein forms Q45fs, V102fs.
Identifiers: ClinVar variation 3755823 (VCV003755823.2).